The following is an entry in ClinVar:

NM_021942.6(TRAPPC11):c.86A>G (p.Tyr29Cys)

Gene: TRAPPC11 (trafficking protein particle complex subunit 11; plus strand). Cytogenetic location: 4q35.1.
Variant type: single nucleotide variant.
Coding change: c.86A>G on transcript NM_021942.6 (MANE Select); coding-DNA position 86, A replaced by G.
Protein change: p.Tyr29Cys; replaces tyrosine 29 with cysteine.
Molecular consequence: missense variant.
Genome position (GRCh38, 1-based): chr4:183,663,953, A>G. VCF-style: chr4-183663953-A-G. GRCh37 (hg19) VCF-style: chr4-184585106-A-G.
Other names: c.86A>G, p.Tyr29Cys (NM_199053.3); short protein forms Y29C.
Identifiers: ClinVar variation 850264 (VCV000850264.10), dbSNP rs1734703097, ClinGen allele CA358858413.

ClinVar aggregate classification (germline): Uncertain significance (1 of 4 stars; one submission).

Conditions:
Autosomal recessive limb-girdle muscular dystrophy type R18 (LGMDR18). Also called: MUSCULAR DYSTROPHY, LIMB-GIRDLE, AUTOSOMAL RECESSIVE 18; Autosomal recessive limb-girdle muscular dystrophy type 2S; Limb-girdle muscular dystrophy, type 2S. Identifiers: Orphanet 369840, MedGen C4517996, MONDO:0014144, OMIM 615356.

Allele frequency attached by ClinVar (database versions not stated): gnomAD 0.00001.
gnomAD v4.1: 1 of 1,614,020 alleles (0.000062%); highest among the groups gnomAD compares: African/African-American, 0.0013%; no homozygotes.

Submission:

Labcorp Genetics (formerly Invitae), Labcorp
Classification: Uncertain significance for Autosomal recessive limb-girdle muscular dystrophy type R18. Last evaluated: 2019-03-23. Review status: criteria provided, single submitter. Criteria: Invitae Variant Classification Sherloc (09022015). Collection method: clinical testing. Allele origin: germline.
Comment: In summary, the available evidence is currently insufficient to determine the role of this variant in disease. Therefore, it has been classified as a Variant of Uncertain Significance. Algorithms developed to predict the effect of missense changes on protein structure and function are either unavailable or do not agree on the potential impact of this missense change (SIFT: "Tolerated"; PolyPhen-2: "Possibly Damaging"; Align-GVGD: "Class C15"). This sequence change replaces tyrosine with cysteine at codon 29 of the TRAPPC11 protein (p.Tyr29Cys). The tyrosine residue is moderately conserved and there is a large physicochemical difference between tyrosine and cysteine. This variant is not present in population databases (ExAC no frequency). This variant has not been reported in the literature in individuals with TRAPPC11-related conditions.